The following is an entry in ClinVar:

ClinVar aggregate classification (germline): Uncertain significance (1 of 4 stars; one submission).

Conditions:
Hereditary cancer-predisposing syndrome. Also called: Tumor predisposition; Neoplastic Syndromes, Hereditary; Hereditary Cancer Syndrome; Hereditary neoplastic syndrome. Identifiers: Orphanet 140162, MedGen C0027672, MeSH D009386, MONDO:0015356.

gnomAD v4.1: 2 of 1,614,022 alleles (0.00012%); highest among the groups gnomAD compares: African/African-American, 0.0013%; no homozygotes.

Submission:

Ambry Genetics
Classification: Uncertain significance for Hereditary cancer-predisposing syndrome. Last evaluated: 2025-04-03. Review status: criteria provided, single submitter. Criteria: Ambry Variant Classification Scheme 2023. Collection method: clinical testing. Allele origin: germline.
Comment: The p.D1067H variant (also known as c.3199G>C), located in coding exon 21 of the ATM gene, results from a G to C substitution at nucleotide position 3199. The aspartic acid at codon 1067 is replaced by histidine, an amino acid with similar properties. This amino acid position is not well conserved in available vertebrate species. In addition, the in silico prediction for this alteration is inconclusive. Since supporting evidence is limited at this time, the clinical significance of this alteration remains unclear.

NM_000051.4(ATM):c.3199G>C (p.Asp1067His)

Gene: ATM (ATM serine/threonine kinase; plus strand). Cytogenetic location: 11q22.3.
Variant type: single nucleotide variant.
Coding change: c.3199G>C on transcript NM_000051.4 (MANE Select); coding-DNA position 3199, G replaced by C.
Protein change: p.Asp1067His; replaces aspartic acid 1067 with histidine.
Molecular consequence: missense variant.
Genome position (GRCh38, 1-based): chr11:108,272,767, G>C. VCF-style: chr11-108272767-G-C. GRCh37 (hg19) VCF-style: chr11-108143494-G-C.
Other names: c.3199G>C, p.Asp1067His (NM_001351834.2); short protein forms D1067H.
Identifiers: ClinVar variation 1728753 (VCV001728753.3), dbSNP rs766342338, ClinGen allele CA382515741.
Genomic context (GRCh38, chr11:108,272,767, plus strand): 5'-GTTCTTTTCCCGTAGGCTGATCCTTATTCAAAATGGGCCATTCTTAATGTAATGGGAAAA[G>C]ACTTTCCTGTAAATGAAGTATTTACACAATTTCTTGCTGACAATCATCACCAAGTTCGCA-3'
Protein context (NP_000042.3, residues 1057-1077): KWAILNVMGK[Asp1067His]FPVNEVFTQF